The following is an entry in ClinVar:

ClinVar aggregate classification (germline): Uncertain significance (1 of 4 stars; one submission).

Allele frequency attached by ClinVar (database versions not stated): gnomAD exomes below 0.00001.
gnomAD v4.1: 1 of 1,614,044 alleles (0.000062%); highest among the groups gnomAD compares: African/African-American, 0.0013%; no homozygotes.

Submission:

Labcorp Genetics (formerly Invitae), Labcorp
Classification: Uncertain significance. Last evaluated: 2023-09-11. Review status: criteria provided, single submitter. Criteria: Invitae Variant Classification Sherloc (09022015). Collection method: clinical testing. Allele origin: germline.
Comment: This sequence change replaces serine, which is neutral and polar, with leucine, which is neutral and non-polar, at codon 256 of the NTRK2 protein (p.Ser256Leu). This variant is present in population databases (no rsID available, gnomAD 0.007%). This variant has not been reported in the literature in individuals affected with NTRK2-related conditions. Advanced modeling of protein sequence and biophysical properties (such as structural, functional, and spatial information, amino acid conservation, physicochemical variation, residue mobility, and thermodynamic stability) performed at Invitae indicates that this missense variant is not expected to disrupt NTRK2 protein function. Algorithms developed to predict the effect of sequence changes on RNA splicing suggest that this variant may create or strengthen a splice site. In summary, the available evidence is currently insufficient to determine the role of this variant in disease. Therefore, it has been classified as a Variant of Uncertain Significance.

NM_006180.6(NTRK2):c.767C>T (p.Ser256Leu)

Gene: NTRK2 (neurotrophic receptor tyrosine kinase 2; plus strand). Cytogenetic location: 9q21.33.
Variant type: single nucleotide variant.
Coding change: c.767C>T on transcript NM_006180.6 (MANE Select); coding-DNA position 767, C replaced by T.
Protein change: p.Ser256Leu; replaces serine 256 with leucine.
Molecular consequence: missense variant.
Genome position (GRCh38, 1-based): chr9:84,724,270, C>T. VCF-style: chr9-84724270-C-T. GRCh37 (hg19) VCF-style: chr9-87339185-C-T.
Other names: c.767C>T, p.Ser256Leu (NM_001007097.3, NM_001018064.3, NM_001018065.2 and 19 more transcripts); c.299C>T, p.Ser100Leu (NM_001369535.1, NM_001369536.1, NM_001369550.1 and 2 more transcripts); short protein forms S256L, S100L.
Identifiers: ClinVar variation 2756869 (VCV002756869.3), dbSNP rs1236700381, ClinGen allele CA374007512.